The following is an entry in ClinVar:

NM_004304.5(ALK):c.1798C>T (p.Leu600Phe)

Gene: ALK (ALK receptor tyrosine kinase; minus strand). Cytogenetic location: 2p23.2.
Variant type: single nucleotide variant.
Coding change: c.1798C>T on transcript NM_004304.5 (MANE Select); coding-DNA position 1798, C replaced by T.
Protein change: p.Leu600Phe; replaces leucine 600 with phenylalanine.
Molecular consequence: missense variant.
Genome position (GRCh38, 1-based): chr2:29,296,907, G>A on the plus strand (C>T on the coding strand, the complement: ALK is on the minus strand). VCF-style: chr2-29296907-G-A. GRCh37 (hg19) VCF-style: chr2-29519773-G-A.
Other names: c.1798C>T (NM_004304.4); short protein forms L600F.
Identifiers: ClinVar variation 1062994 (VCV001062994.8), dbSNP rs2148231015, ClinGen allele CA346465869.

ClinVar aggregate classification (germline): Uncertain significance. Review status: criteria provided, multiple submitters, no conflicts (2 of 4 stars). 2 submissions from 2 submitters: Uncertain significance (2). Last evaluated 2025-03-05.

Conditions:
Neuroblastoma, susceptibility to, 3. Also called: ALK-Related Neuroblastic Tumor Susceptibility. Identifiers: Orphanet 635, MedGen C2751681, MONDO:0013083, OMIM 613014.
Hereditary cancer-predisposing syndrome. Also called: Tumor predisposition; Neoplastic Syndromes, Hereditary; Hereditary Cancer Syndrome; Hereditary neoplastic syndrome. Identifiers: Orphanet 140162, MedGen C0027672, MeSH D009386, MONDO:0015356.

gnomAD v4.1: 1 of 1,614,176 alleles (0.000062%); no homozygotes.

Submissions (2):

Ambry Genetics
Classification: Uncertain significance for Hereditary cancer-predisposing syndrome. Last evaluated: 2025-03-05. Review status: criteria provided, single submitter. Criteria: Ambry Variant Classification Scheme 2023. Collection method: clinical testing. Allele origin: germline.
Comment: The p.L600F variant (also known as c.1798C>T), located in coding exon 9 of the ALK gene, results from a C to T substitution at nucleotide position 1798. The leucine at codon 600 is replaced by phenylalanine, an amino acid with highly similar properties. This amino acid position is conserved. In addition, this alteration is predicted to be tolerated by in silico analysis. Based on the available evidence, the clinical significance of this variant remains unclear.

Labcorp Genetics (formerly Invitae), Labcorp
Classification: Uncertain significance for Neuroblastoma, susceptibility to, 3. Last evaluated: 2021-09-29. Review status: criteria provided, single submitter. Criteria: Invitae Variant Classification Sherloc (09022015). Collection method: clinical testing. Allele origin: germline.
Comment: In summary, the available evidence is currently insufficient to determine the role of this variant in disease. Therefore, it has been classified as a Variant of Uncertain Significance. Algorithms developed to predict the effect of missense changes on protein structure and function are either unavailable or do not agree on the potential impact of this missense change (SIFT: "Deleterious"; PolyPhen-2: "Probably Damaging"; Align-GVGD: "Class C15"). This variant has not been reported in the literature in individuals affected with ALK-related conditions. This variant is not present in population databases (ExAC no frequency). This sequence change replaces leucine with phenylalanine at codon 600 of the ALK protein (p.Leu600Phe). The leucine residue is highly conserved and there is a small physicochemical difference between leucine and phenylalanine.